The following is an entry in ClinVar:

ClinVar aggregate classification (germline): Likely benign. Review status: criteria provided, multiple submitters, no conflicts (2 of 4 stars). 2 submissions from 2 submitters: Likely benign (2). Last evaluated 2023-10-01.

Allele frequency attached by ClinVar (database versions not stated): gnomAD exomes 0.00004 and 0.00007; ExAC 0.00011; TOPMed 0.00025; gnomAD 0.00029 and 0.00031; 1000 Genomes Project 0.00040; ESP Exome Variant Server 0.00054; 1000 Genomes Project 30x 0.00062.
gnomAD v4.1: 96 of 1,612,826 alleles (0.006%); highest among the groups gnomAD compares: African/African-American, 0.097%; no homozygotes.

Submissions (3):

CeGaT Center for Human Genetics Tuebingen
Classification: Likely benign. Last evaluated: 2023-10-01. Review status: criteria provided, single submitter. Criteria: CeGaT Center For Human Genetics Tuebingen Variant Classification Criteria Version 2. Collection method: clinical testing. Allele origin: germline. Affected: yes. Observed: 1 variant allele.
Comment: WDR81: BP4, BP7

Labcorp Genetics (formerly Invitae), Labcorp
Classification: Likely benign. Last evaluated: 2018-07-31. Review status: criteria provided, single submitter. Criteria: Invitae Variant Classification Sherloc (09022015). Collection method: clinical testing. Allele origin: germline.

Dr. Peter K. Rogan Lab, Western University
No classification provided (evidence only). Condition: Clear cell carcinoma of kidney. Review status: no classification provided. Collection method: in vitro. Allele origin: not applicable. Functional consequence: retained intron. Not counted in ClinVar's aggregate classification.

NM_001163809.2(WDR81):c.4155G>A (p.Thr1385=)

Gene: WDR81 (WD repeat domain 81; plus strand). Cytogenetic location: 17p13.3.
Variant type: single nucleotide variant.
Coding change: c.4155G>A on transcript NM_001163809.2 (MANE Select); coding-DNA position 4155, G replaced by A.
Protein change: p.Thr1385=; no amino-acid change (threonine 1385 retained).
Molecular consequence: synonymous variant.
Genome position (GRCh38, 1-based): chr17:1,731,256, G>A. VCF-style: chr17-1731256-G-A. GRCh37 (hg19) VCF-style: chr17-1634550-G-A.
Other names: NC_000017.10:g.1634550G>A; c.546G>A, p.Thr182= (NM_001163673.2); c.474G>A, p.Thr158= (NM_001163811.2); c.1002G>A, p.Thr334= (NM_152348.4).
Identifiers: ClinVar variation 727138 (VCV000727138.28), dbSNP rs143802836, ClinGen allele CA8273454.
Genomic context (GRCh38, chr17:1,731,256, plus strand): 5'-GCCCCGGATCAGCCATGAGGTCCTGCTGCCCGTGCTCAGCTTCCTCACCTCCCTCGTCAC[G>A]GGGTAGGCCTCTGCCCCAGCTGATGTAGGGGGACCGGCCCAGCGGAGGGGCTGCCCAGGA-3'
Protein context (NP_001157281.1, residues 1375-1395): PVLSFLTSLV[Thr1385=]GFPSGAQART